The following is an entry in ClinVar:

ClinVar aggregate classification (germline): Likely benign (0 of 4 stars; one submission).

Conditions:
TEX15-related disorder. Also called: TEX15-related condition.

Allele frequency attached by ClinVar (database versions not stated): gnomAD exomes 0.00012; ExAC 0.00029; gnomAD 0.00077; 1000 Genomes Project 0.00100; 1000 Genomes Project 30x 0.00109; ESP Exome Variant Server 0.00115; TOPMed 0.00115.
gnomAD v4.1: 304 of 1,613,734 alleles (0.019%); highest among the groups gnomAD compares: African/African-American, 0.25%; no homozygotes.

Submission:

PreventionGenetics, part of Exact Sciences
Classification: Likely benign for TEX15-related condition. Last evaluated: 2022-02-08. Review status: no assertion criteria provided. Collection method: clinical testing. Allele origin: germline.
Comment: This variant is classified as likely benign based on ACMG/AMP sequence variant interpretation guidelines (Richards et al. 2015 PMID: 25741868, with internal and published modifications).

NM_001350162.2(TEX15):c.3509C>T (p.Pro1170Leu)

Gene: TEX15 (testis expressed 15, meiosis and synapsis associated; minus strand). Cytogenetic location: 8p12.
Variant type: single nucleotide variant.
Coding change: c.3509C>T on transcript NM_001350162.2 (MANE Select); coding-DNA position 3509, C replaced by T.
Protein change: p.Pro1170Leu; replaces proline 1170 with leucine.
Molecular consequence: missense variant.
Genome position (GRCh38, 1-based): chr8:30,846,658, G>A on the plus strand (C>T on the coding strand, the complement: TEX15 is on the minus strand). VCF-style: chr8-30846658-G-A. GRCh37 (hg19) VCF-style: chr8-30704174-G-A.
Other names: c.2360C>T, p.Pro787Leu (NM_031271.3); short protein forms P1170L, P787L.
Identifiers: ClinVar variation 3035949 (VCV003035949.2), dbSNP rs144577500, ClinGen allele CA4703240.